The following is an entry in ClinVar:

NM_001122769.3(LCA5):c.212A>G (p.Lys71Arg)

Gene: LCA5 (lebercilin LCA5; minus strand). Cytogenetic location: 6q14.1.
Variant type: single nucleotide variant.
Coding change: c.212A>G on transcript NM_001122769.3 (MANE Select); coding-DNA position 212, A replaced by G.
Protein change: p.Lys71Arg; replaces lysine 71 with arginine.
Molecular consequence: missense variant.
Genome position (GRCh38, 1-based): chr6:79,513,720, T>C on the plus strand (A>G on the coding strand, the complement: LCA5 is on the minus strand). VCF-style: chr6-79513720-T-C. GRCh37 (hg19) VCF-style: chr6-80223437-T-C.
Other names: c.212A>G, p.Lys71Arg (NM_181714.4); c.212A>G (NM_181714.3); short protein forms K71R.
Identifiers: ClinVar variation 2103932 (VCV002103932.5), dbSNP rs745908133, ClinGen allele CA3901169.
Genomic context (GRCh38, chr6:79,513,720, plus strand): 5'-TCTCTATTGAGGCTCTGGGAGCGAAATCCCACTCGGACTCCCTTTCTGTTTGGTAGACCC[T>C]TAGGGCTTGGTTTCCGAGGGGCTAAAAAAGAAACAGGAATAATGTAAAGTGAAAGCTGTA-3'
Protein context (NP_001116241.1, residues 61-81): HHQAPRKPSP[Lys71Arg]GLPNRKGVRV

ClinVar aggregate classification (germline): Uncertain significance. Review status: criteria provided, multiple submitters, no conflicts (2 of 4 stars). 4 submissions from 4 submitters: Uncertain significance (3). 1 of the submissions does not count toward it. Last evaluated 2024-12-07.

Conditions:
LCA5-related disorder. Also called: LCA5-related condition.
Inborn genetic diseases. Identifiers: MedGen C0950123, MeSH D030342.

Allele frequency attached by ClinVar (database versions not stated): gnomAD 0.00003; gnomAD exomes 0.00004; ExAC 0.00005; TOPMed 0.00005.
gnomAD v4.1: 65 of 1,613,478 alleles (0.004%); highest among the groups gnomAD compares: Middle Eastern, 0.016%; no homozygotes.

Submissions (4):

Labcorp Genetics (formerly Invitae), Labcorp
Classification: Uncertain significance. Last evaluated: 2024-12-07. Review status: criteria provided, single submitter. Criteria: Invitae Variant Classification Sherloc (09022015). Collection method: clinical testing. Allele origin: germline.
Comment: This sequence change replaces lysine, which is basic and polar, with arginine, which is basic and polar, at codon 71 of the LCA5 protein (p.Lys71Arg). This variant is present in population databases (rs745908133, gnomAD 0.01%). This variant has not been reported in the literature in individuals affected with LCA5-related conditions. ClinVar contains an entry for this variant (Variation ID: 2103932). Invitae Evidence Modeling of protein sequence and biophysical properties (such as structural, functional, and spatial information, amino acid conservation, physicochemical variation, residue mobility, and thermodynamic stability) has been performed for this missense variant. However, the output from this modeling did not meet the statistical confidence thresholds required to predict the impact of this variant on LCA5 protein function. In summary, the available evidence is currently insufficient to determine the role of this variant in disease. Therefore, it has been classified as a Variant of Uncertain Significance.

Blueprint Genetics
Classification: Uncertain significance. Last evaluated: 2024-03-15. Review status: criteria provided, single submitter. Criteria: ACMG Guidelines, 2015. Collection method: clinical testing. Allele origin: germline.

Ambry Genetics
Classification: Uncertain significance for Inborn genetic diseases. Last evaluated: 2023-09-22. Review status: criteria provided, single submitter. Criteria: Ambry Variant Classification Scheme 2023. Collection method: clinical testing. Allele origin: germline.

PreventionGenetics, part of Exact Sciences
Classification: Uncertain significance for LCA5-related condition. Last evaluated: 2024-09-15. Review status: no assertion criteria provided. Collection method: clinical testing. Allele origin: germline. Not counted in ClinVar's aggregate classification.
Comment: The LCA5 c.212A>G variant is predicted to result in the amino acid substitution p.Lys71Arg. To our knowledge, this variant has not been reported in the literature. This variant is reported in 0.014% of alleles in individuals of Latino descent in gnomAD. At this time, the clinical significance of this variant is uncertain due to the absence of conclusive functional and genetic evidence.